The following is an entry in ClinVar:

NM_213622.4(STAMBP):c.1057T>C (p.Cys353Arg)

Gene: STAMBP (STAM binding protein; plus strand). Cytogenetic location: 2p13.1.
Variant type: single nucleotide variant.
Coding change: c.1057T>C on transcript NM_213622.4 (MANE Select); coding-DNA position 1057, T replaced by C.
Protein change: p.Cys353Arg; replaces cysteine 353 with arginine.
Molecular consequence: missense variant. On other transcripts: non-coding transcript variant (4).
Genome position (GRCh38, 1-based): chr2:73,859,305, T>C. VCF-style: chr2-73859305-T-C. GRCh37 (hg19) VCF-style: chr2-74086432-T-C.
Other names: c.1057T>C, p.Cys353Arg (NM_001353967.2, NM_001353968.2, NM_001353969.2 and 3 more transcripts); c.652T>C, p.Cys218Arg (NM_001353971.2, NM_001353972.2, NM_001353973.2 and 3 more transcripts); short protein forms C353R, C218R.
Identifiers: ClinVar variation 1907040 (VCV001907040.3), dbSNP rs374466185, ClinGen allele CA1717697.

ClinVar aggregate classification (germline): Uncertain significance (1 of 4 stars; one submission).

Allele frequency attached by ClinVar (database versions not stated): ExAC 0.00002; gnomAD 0.00005; TOPMed 0.00006; ESP Exome Variant Server 0.00008.
gnomAD v4.1: 12 of 1,614,074 alleles (0.00074%); highest among the groups gnomAD compares: African/African-American, 0.013%; no homozygotes.

Submission:

Labcorp Genetics (formerly Invitae), Labcorp
Classification: Uncertain significance. Last evaluated: 2023-11-27. Review status: criteria provided, single submitter. Criteria: Invitae Variant Classification Sherloc (09022015). Collection method: clinical testing. Allele origin: germline.
Comment: This sequence change replaces cysteine, which is neutral and slightly polar, with arginine, which is basic and polar, at codon 353 of the STAMBP protein (p.Cys353Arg). This variant is present in population databases (rs374466185, gnomAD 0.02%). This variant has not been reported in the literature in individuals affected with STAMBP-related conditions. ClinVar contains an entry for this variant (Variation ID: 1907040). Advanced modeling of protein sequence and biophysical properties (such as structural, functional, and spatial information, amino acid conservation, physicochemical variation, residue mobility, and thermodynamic stability) performed at Invitae indicates that this missense variant is expected to disrupt STAMBP protein function with a positive predictive value of 80%. In summary, the available evidence is currently insufficient to determine the role of this variant in disease. Therefore, it has been classified as a Variant of Uncertain Significance.